The following is an entry in ClinVar:

NM_001005373.4(LRSAM1):c.1144C>T (p.Arg382Ter)

Gene: LRSAM1 (leucine rich repeat and sterile alpha motif containing 1; plus strand). Cytogenetic location: 9q33.3.
Variant type: single nucleotide variant.
Coding change: c.1144C>T on transcript NM_001005373.4 (MANE Select); coding-DNA position 1144, C replaced by T.
Protein change: p.Arg382Ter; replaces arginine 382 with a stop codon.
Molecular consequence: nonsense. On other transcripts: non-coding transcript variant (2).
Genome position (GRCh38, 1-based): chr9:127,483,005, C>T. VCF-style: chr9-127483005-C-T. GRCh37 (hg19) VCF-style: chr9-130245284-C-T.
Other names: c.1144C>T, p.Arg382Ter (NM_001005374.4, NM_001190723.3, NM_001384142.1 and 2 more transcripts); c.355C>T, p.Arg119Ter (NM_001384144.1); short protein forms R119*, R382*.
Identifiers: ClinVar variation 1076638 (VCV001076638.10), dbSNP rs752177472, ClinGen allele CA199849239.

ClinVar aggregate classification (germline): Pathogenic. Review status: criteria provided, single submitter (1 of 4 stars). 2 submissions from 2 submitters: Pathogenic (1). 1 of the submissions does not count toward it. Last evaluated 2020-03-04.

Conditions:
LRSAM1-related disorder. Also called: LRSAM1-related condition.
Charcot-Marie-Tooth disease axonal type 2P. Also called: Charcot-Marie-Tooth Neuropathy Type 2G; CHARCOT-MARIE-TOOTH NEUROPATHY, TYPE 2P; CHARCOT-MARIE-TOOTH DISEASE, AXONAL, TYPE 2G; CMT 2G. Identifiers: Orphanet 300319, Orphanet 99941, MedGen C3280797, MONDO:0013753, OMIM 614436.

Allele frequency attached by ClinVar (database versions not stated): TOPMed below 0.00001; gnomAD 0.00001; gnomAD exomes 0.00001.
gnomAD v4.1: 12 of 1,596,188 alleles (0.00075%); highest among the groups gnomAD compares: South Asian, 0.0011%; no homozygotes.

Submissions (3):

Labcorp Genetics (formerly Invitae), Labcorp
Classification: Pathogenic for Charcot-Marie-Tooth disease axonal type 2P. Last evaluated: 2020-03-04. Review status: criteria provided, single submitter. Criteria: Invitae Variant Classification Sherloc (09022015). Collection method: clinical testing. Allele origin: germline.
Comment: For these reasons, this variant has been classified as Pathogenic. Loss-of-function variants in LRSAM1 are known to be pathogenic (PMID: 20865121). Algorithms developed to predict the effect of sequence changes on RNA splicing suggest that this variant may create or strengthen a splice site, but this prediction has not been confirmed by published transcriptional studies. This variant has not been reported in the literature in individuals with LRSAM1-related conditions. This variant is not present in population databases (ExAC no frequency). This sequence change creates a premature translational stop signal (p.Arg382*) in the LRSAM1 gene. It is expected to result in an absent or disrupted protein product.

PreventionGenetics, part of Exact Sciences
Classification: Likely pathogenic for LRSAM1-related condition. Last evaluated: 2024-06-28. Review status: no assertion criteria provided. Collection method: clinical testing. Allele origin: germline. Not counted in ClinVar's aggregate classification.
Comment: The LRSAM1 c.1144C>T variant is predicted to result in premature protein termination (p.Arg382*). To our knowledge, this variant has not been reported in the literature. This variant is reported in 0.0054% of alleles in individuals of European (Finnish) descent in gnomAD and is classified as pathogenic in ClinVar. Nonsense variants in LRSAM1 are expected to be pathogenic. This variant is interpreted as likely pathogenic for the autosomal recessive Charcot-Marie-Tooth disease, axonal, type 2P.

Dr. Peter K. Rogan Lab, Western University
No classification provided (evidence only). Condition: Thyroid cancer, nonmedullary, 1. Review status: no classification provided. Collection method: in vitro. Allele origin: not applicable. Functional consequence: retained intron. Not counted in ClinVar's aggregate classification.

Literature cited by the submitters: PubMed 20865121 (cited by Labcorp Genetics (formerly Invitae), Labcorp).